The following is an entry in ClinVar:

NM_001365480.1(CCDC88A):c.4100G>A (p.Arg1367Lys)

Gene: CCDC88A (coiled-coil and HOOK domain protein 88A; minus strand). Cytogenetic location: 2p16.1.
Variant type: single nucleotide variant.
Coding change: c.4100G>A on transcript NM_001365480.1 (MANE Select); coding-DNA position 4100, G replaced by A.
Protein change: p.Arg1367Lys; replaces arginine 1367 with lysine.
Molecular consequence: missense variant.
Genome position (GRCh38, 1-based): chr2:55,309,234, C>T on the plus strand (G>A on the coding strand, the complement: CCDC88A is on the minus strand). VCF-style: chr2-55309234-C-T. GRCh37 (hg19) VCF-style: chr2-55536370-C-T.
Other names: c.4097G>A, p.Arg1366Lys (NM_001135597.2, NM_001254943.2); c.4100G>A, p.Arg1367Lys (NM_018084.5); c.4097G>A (NM_001135597.1); short protein forms R1367K, R1366K.
Identifiers: ClinVar variation 1417405 (VCV001417405.8), dbSNP rs371764198, ClinGen allele CA1665631.
Genomic context (GRCh38, chr2:55,309,234, plus strand): 5'-GATGGGTCATAAAATTTGTATTGATCCATAATTTTCTCTTCTAGTTTCTCCTTCTGACGT[C>T]TTAATTCATTTAACTTATCACTATAAAATAAAAATTACCTTTTAGGACAGGCATCATATT-3'
Protein context (NP_001352409.1, residues 1357-1377): RQYIDKLNEL[Arg1367Lys]RQKEKLEEKI

ClinVar aggregate classification (germline): Uncertain significance. Review status: criteria provided, multiple submitters, no conflicts (2 of 4 stars). 4 submissions from 4 submitters: Uncertain significance (4). Last evaluated 2026-05-01.

Allele frequency attached by ClinVar (database versions not stated): TOPMed 0.00003; gnomAD exomes 0.00004 and 0.00006; gnomAD 0.00005; ExAC 0.00006; ESP Exome Variant Server 0.00023.
gnomAD v4.1: 94 of 1,467,774 alleles (0.0064%); highest among the groups gnomAD compares: Non-Finnish European, 0.008%; no homozygotes.

Submissions (4):

CeGaT Center for Human Genetics Tuebingen
Classification: Uncertain significance. Last evaluated: 2026-05-01. Review status: criteria provided, single submitter. Criteria: CeGaT Center For Human Genetics Tuebingen Variant Classification Criteria Version 2. Collection method: clinical testing. Allele origin: germline. Affected: yes. Observed: 1 variant allele.
Comment: CCDC88A: PM2, PP2

Women's Health and Genetics/Laboratory Corporation of America, LabCorp
Classification: Uncertain significance. Last evaluated: 2025-04-09. Review status: criteria provided, single submitter. Criteria: LabCorp Variant Classification Summary - May 2015. Collection method: clinical testing. Allele origin: germline.
Comment: Variant summary: CCDC88A c.4097G>A (p.Arg1366Lys) results in a conservative amino acid change in the encoded protein sequence. Two of three in-silico tools predict a benign effect of the variant on protein function. The variant allele was found at a frequency of 3.8e-05 in 182660 control chromosomes. The available data on variant occurrences in the general population are insufficient to allow any conclusion about variant significance. To our knowledge, no occurrence of c.4097G>A in individuals affected with PEHO-Like Syndrome and no experimental evidence demonstrating its impact on protein function have been reported. ClinVar contains an entry for this variant (Variation ID: 1417405). Based on the evidence outlined above, the variant was classified as uncertain significance.

Ambry Genetics
Classification: Uncertain significance. Last evaluated: 2025-01-26. Review status: criteria provided, single submitter. Criteria: Ambry Variant Classification Scheme 2023. Collection method: clinical testing. Allele origin: germline.

Labcorp Genetics (formerly Invitae), Labcorp
Classification: Uncertain significance. Last evaluated: 2022-10-27. Review status: criteria provided, single submitter. Criteria: Invitae Variant Classification Sherloc (09022015). Collection method: clinical testing. Allele origin: germline.
Comment: This sequence change replaces arginine, which is basic and polar, with lysine, which is basic and polar, at codon 1366 of the CCDC88A protein (p.Arg1366Lys). This variant is present in population databases (rs371764198, gnomAD 0.008%). This variant has not been reported in the literature in individuals affected with CCDC88A-related conditions. ClinVar contains an entry for this variant (Variation ID: 1417405). Algorithms developed to predict the effect of missense changes on protein structure and function are either unavailable or do not agree on the potential impact of this missense change (SIFT: "Tolerated"; PolyPhen-2: "Probably Damaging"; Align-GVGD: "Class C0"). In summary, the available evidence is currently insufficient to determine the role of this variant in disease. Therefore, it has been classified as a Variant of Uncertain Significance.